The following is an entry in ClinVar:

ClinVar aggregate classification (germline): Uncertain significance (1 of 4 stars; one submission).

Conditions:
Short-rib thoracic dysplasia 8 with or without polydactyly (SRTD8). Also called: SHORT-RIB THORACIC DYSPLASIA 8 WITH POLYDACTYLY. Identifiers: Orphanet 93271, MedGen C3809691, MONDO:0014214, OMIM 615503.

gnomAD v4.1: 10 of 1,611,748 alleles (0.00062%); highest among the groups gnomAD compares: Non-Finnish European, 0.00085%; no homozygotes.

Submission:

Labcorp Genetics (formerly Invitae), Labcorp
Classification: Uncertain significance for Short-rib thoracic dysplasia 8 with or without polydactyly. Last evaluated: 2025-02-20. Review status: criteria provided, single submitter. Criteria: Invitae Variant Classification Sherloc (09022015). Collection method: clinical testing. Allele origin: germline.
Comment: This sequence change replaces isoleucine, which is neutral and non-polar, with valine, which is neutral and non-polar, at codon 25 of the WDR60 protein (p.Ile25Val). This variant is present in population databases (no rsID available, gnomAD 0.002%). This variant has not been reported in the literature in individuals affected with WDR60-related conditions. An algorithm developed to predict the effect of missense changes on protein structure and function outputs the following: PolyPhen-2: "Benign". The valine amino acid residue is found in multiple mammalian species, which suggests that this missense change does not adversely affect protein function. In summary, the available evidence is currently insufficient to determine the role of this variant in disease. Therefore, it has been classified as a Variant of Uncertain Significance.

NM_018051.5(DYNC2I1):c.73A>G (p.Ile25Val)

Gene: DYNC2I1 (dynein 2 intermediate chain 1; plus strand). Cytogenetic location: 7q36.3.
Variant type: single nucleotide variant.
Coding change: c.73A>G on transcript NM_018051.5 (MANE Select); coding-DNA position 73, A replaced by G.
Protein change: p.Ile25Val; replaces isoleucine 25 with valine.
Molecular consequence: missense variant. On other transcripts: 5 prime UTR variant (5).
Genome position (GRCh38, 1-based): chr7:158,871,145, A>G. VCF-style: chr7-158871145-A-G. GRCh37 (hg19) VCF-style: chr7-158663836-A-G.
Other names: c.-66A>G (NM_001350914.2); c.-445A>G (NM_001350915.2); c.-1286A>G (NM_001350916.2); c.-1294A>G (NM_001350917.2); c.-1413A>G (NM_001350918.2); short protein forms I25V.
Identifiers: ClinVar variation 4707976 (VCV004707976.1).